The following is an entry in ClinVar:

NM_001146.5(ANGPT1):c.1391C>T (p.Ala464Val)

Gene: ANGPT1 (angiopoietin 1; minus strand). Cytogenetic location: 8q23.1.
Variant type: single nucleotide variant.
Coding change: c.1391C>T on transcript NM_001146.5 (MANE Select); coding-DNA position 1391, C replaced by T.
Protein change: p.Ala464Val; replaces alanine 464 with valine.
Molecular consequence: missense variant.
Genome position (GRCh38, 1-based): chr8:107,251,961, G>A on the plus strand (C>T on the coding strand, the complement: ANGPT1 is on the minus strand). VCF-style: chr8-107251961-G-A. GRCh37 (hg19) VCF-style: chr8-108264189-G-A.
Other names: c.1388C>T, p.Ala463Val (NM_001199859.3); c.791C>T, p.Ala264Val (NM_001314051.2); short protein forms A264V, A463V, A464V.
Identifiers: ClinVar variation 2914420 (VCV002914420.3), dbSNP rs765706787, ClinGen allele CA4841125.

ClinVar aggregate classification (germline): Uncertain significance (1 of 4 stars; one submission).

Allele frequency attached by ClinVar (database versions not stated): ExAC 0.00001; TOPMed 0.00003.
gnomAD v4.1: 14 of 1,613,796 alleles (0.00087%); highest among the groups gnomAD compares: East Asian, 0.0045%; no homozygotes.

Submission:

Labcorp Genetics (formerly Invitae), Labcorp
Classification: Uncertain significance. Last evaluated: 2025-07-24. Review status: criteria provided, single submitter. Criteria: Invitae Variant Classification Sherloc (09022015). Collection method: clinical testing. Allele origin: germline.
Comment: This sequence change replaces alanine, which is neutral and non-polar, with valine, which is neutral and non-polar, at codon 464 of the ANGPT1 protein (p.Ala464Val). This variant is present in population databases (rs765706787, gnomAD 0.003%). This variant has not been reported in the literature in individuals affected with ANGPT1-related conditions. ClinVar contains an entry for this variant (Variation ID: 2914420). An algorithm developed to predict the effect of missense changes on protein structure and function (PolyPhen-2) suggests that this variant is likely to be disruptive. In summary, the available evidence is currently insufficient to determine the role of this variant in disease. Therefore, it has been classified as a Variant of Uncertain Significance.